The following is an entry in ClinVar:

NM_000548.5(TSC2):c.3461C>T (p.Thr1154Ile)

Gene: TSC2 (TSC complex subunit 2; plus strand). Cytogenetic location: 16p13.3.
Variant type: single nucleotide variant.
Coding change: c.3461C>T on transcript NM_000548.5 (MANE Select); coding-DNA position 3461, C replaced by T.
Protein change: p.Thr1154Ile; replaces threonine 1154 with isoleucine.
Molecular consequence: missense variant.
Genome position (GRCh38, 1-based): chr16:2,080,228, C>T. VCF-style: chr16-2080228-C-T. GRCh37 (hg19) VCF-style: chr16-2130229-C-T.
Other names: c.3362C>T, p.Thr1121Ile (NM_001318832.2); c.3332C>T, p.Thr1111Ile (NM_001363528.2, NM_001370405.1, NM_021055.3); c.3329C>T, p.Thr1110Ile (NM_001370404.1, NM_001077183.3); c.3461C>T, p.Thr1154Ile (NM_001114382.3); c.3221C>T, p.Thr1074Ile (NM_001318827.2); c.3185C>T, p.Thr1062Ile (NM_001318829.2); c.2729C>T, p.Thr910Ile (NM_001318831.2); short protein forms T1062I, T1074I, T1110I, T1111I, T1121I, T1154I, T910I.
Identifiers: ClinVar variation 1051428 (VCV001051428.12), dbSNP rs377137483, ClinGen allele CA046936.
Genomic context (GRCh38, chr16:2,080,228, plus strand): 5'-GCCATGGTCTTCGAGTTGGCGCCCTGGACGTGCCGGCCTCCCAGTTCCTGGGCAGTGCCA[C>T]TTCTCCAGGACCACGGACTGCACCAGCCGCGAAACCTGAGAAGGCCTCAGCTGGCACCCG-3'
Protein context (NP_000539.2, residues 1144-1164): VPASQFLGSA[Thr1154Ile]SPGPRTAPAA

ClinVar aggregate classification (germline): Conflicting classifications of pathogenicity. Review status: criteria provided, conflicting classifications (1 of 4 stars). 2 submissions from 2 submitters: Uncertain significance (1); Benign (1). Last evaluated 2025-06-24.

Conditions:
Tuberous sclerosis 2 (TSC2). Identifiers: Orphanet 805, MedGen C1860707, MONDO:0013199, OMIM 613254.
Hereditary cancer-predisposing syndrome. Also called: Hereditary Cancer Syndrome; Tumor predisposition; Hereditary neoplastic syndrome; Neoplastic Syndromes, Hereditary. Identifiers: Orphanet 140162, MedGen C0027672, MeSH D009386, MONDO:0015356.

Allele frequency attached by ClinVar (database versions not stated): gnomAD exomes below 0.00001; ExAC 0.00001; gnomAD 0.00001; ESP Exome Variant Server 0.00008.
gnomAD v4.1: 3 of 1,612,890 alleles (0.00019%); highest among the groups gnomAD compares: African/African-American, 0.0013%; no homozygotes.

Submissions (2):

Labcorp Genetics (formerly Invitae), Labcorp
Classification: Benign for Tuberous sclerosis 2. Last evaluated: 2025-06-24. Review status: criteria provided, single submitter. Criteria: Invitae Variant Classification Sherloc (09022015). Collection method: clinical testing. Allele origin: germline.

Ambry Genetics
Classification: Uncertain significance for Hereditary cancer-predisposing syndrome. Last evaluated: 2024-12-13. Review status: criteria provided, single submitter. Criteria: Ambry Variant Classification Scheme 2023. Collection method: clinical testing. Allele origin: germline.
Comment: The p.T1154I variant (also known as c.3461C>T), located in coding exon 29 of the TSC2 gene, results from a C to T substitution at nucleotide position 3461. The threonine at codon 1154 is replaced by isoleucine, an amino acid with similar properties. This amino acid position is poorly conserved in available vertebrate species. In addition, this alteration is predicted to be tolerated by in silico analysis. Based on the available evidence, the clinical significance of this variant remains unclear.